The following is an entry in ClinVar:

NM_003002.4(SDHD):c.214G>T (p.Val72Phe)

Gene: SDHD (succinate dehydrogenase complex subunit D; plus strand). Cytogenetic location: 11q23.1.
Variant type: single nucleotide variant.
Coding change: c.214G>T on transcript NM_003002.4 (MANE Select); coding-DNA position 214, G replaced by T.
Protein change: p.Val72Phe; replaces valine 72 with phenylalanine.
Molecular consequence: missense variant. On other transcripts: non-coding transcript variant (1), intron variant (1).
Genome position (GRCh38, 1-based): chr11:112,088,911, G>T. VCF-style: chr11-112088911-G-T. GRCh37 (hg19) VCF-style: chr11-111959635-G-T.
Other names: c.97G>T, p.Val33Phe (NM_001276504.2); c.214G>T, p.Val72Phe (NM_001276506.2); c.169+938G>T (NM_001276503.2); short protein forms V33F, V72F.
Identifiers: ClinVar variation 3386000 (VCV003386000.2).
Genomic context (GRCh38, chr11:112,088,911, plus strand): 5'-CTGGTCCTTTTTGTAGCTGGCTCCAAGGCTGCATCTCTCCACTGGACTAGCGAGAGGGTT[G>T]TCAGTGTTTTGCTCCTGGGTCTGCTTCCGGCTGCTTATTTGAATCCTTGCTCTGCGATGG-3'
Protein context (NP_002993.1, residues 62-82): ASLHWTSERV[Val72Phe]SVLLLGLLPA

ClinVar aggregate classification (germline): Uncertain significance. Review status: criteria provided, multiple submitters, no conflicts (2 of 4 stars). 2 submissions from 2 submitters: Uncertain significance (2). Last evaluated 2025-03-07.

Conditions:
Pheochromocytoma. Also called: MAX-Related Hereditary Paraganglioma-Pheochromocytoma Syndrome. Identifiers: Orphanet 29072, MedGen C0031511, MONDO:0008233, OMIM 171300, HP:0002666.
Carney-Stratakis syndrome. Also called: PARAGANGLIOMA AND GASTROINTESTINAL STROMAL TUMOR. Identifiers: Orphanet 97286, MedGen C1847319, MONDO:0011740, OMIM 606864.
Cowden syndrome 3 (CWS3). Identifiers: Orphanet 201, MedGen CN166604, MONDO:0014045.
Paragangliomas with sensorineural hearing loss. Identifiers: MedGen C1868633.
Hereditary pheochromocytoma and paraganglioma. Also called: Hereditary Paraganglioma-Pheochromocytoma Syndromes; Hereditary pheochromocytoma-paraganglioma; Hereditary paragangliomas and pheochromocytomas. Identifiers: Orphanet 29072, MedGen C4274332, MONDO:0017366.

gnomAD v4.1: 4 of 1,613,020 alleles (0.00025%); highest among the groups gnomAD compares: African/African-American, 0.0053%; no homozygotes.

Submissions (2):

Labcorp Genetics (formerly Invitae), Labcorp
Classification: Uncertain significance for Carney-Stratakis syndrome; Paragangliomas with sensorineural hearing loss; Pheochromocytoma; Cowden syndrome 3. Last evaluated: 2025-03-07. Review status: criteria provided, single submitter. Criteria: Invitae Variant Classification Sherloc (09022015). Collection method: clinical testing. Allele origin: germline.
Comment: This sequence change replaces valine, which is neutral and non-polar, with phenylalanine, which is neutral and non-polar, at codon 72 of the SDHD protein (p.Val72Phe). This variant is present in population databases (rs556828083, gnomAD 0.01%). This variant has not been reported in the literature in individuals affected with SDHD-related conditions. ClinVar contains an entry for this variant (Variation ID: 3386000). Invitae Evidence Modeling of protein sequence and biophysical properties (such as structural, functional, and spatial information, amino acid conservation, physicochemical variation, residue mobility, and thermodynamic stability) indicates that this missense variant is not expected to disrupt SDHD protein function with a negative predictive value of 80%. In summary, the available evidence is currently insufficient to determine the role of this variant in disease. Therefore, it has been classified as a Variant of Uncertain Significance.

All of Us Research Program, National Institutes of Health
Classification: Uncertain significance for Hereditary pheochromocytoma and paraganglioma. Last evaluated: 2024-06-09. Review status: criteria provided, single submitter. Criteria: ACMG Guidelines, 2015. Collection method: clinical testing. Allele origin: germline. Inheritance: Autosomal dominant inheritance. Observed: 1 variant allele, 1 heterozygote.
Comment: This missense variant replaces valine with phenylalanine at codon 72 of the SDHD protein. Computational prediction suggests that this variant may have deleterious impact on protein structure and function. To our knowledge, functional studies have not been reported for this variant. This variant has not been reported in individuals affected with SDHD-related disorders in the literature. This variant has been identified in 3/282728 chromosomes in the general population by the Genome Aggregation Database (gnomAD). The available evidence is insufficient to determine the role of this variant in disease conclusively. Therefore, this variant is classified as a Variant of Uncertain Significance.

This study involves interpretation of variants in research participants for the purpose of population health screening. Participant phenotype was not available at the time of variant classification. Additional details can be found in publication PMID: 35346344, PMCID: PMC8962531